The following is an entry in ClinVar:

NM_000481.4(AMT):c.1204_1206del (p.Leu402del)

Gene: AMT (aminomethyltransferase; minus strand). Cytogenetic location: 3p21.31.
Variant type: Deletion.
Coding change: c.1204_1206del on transcript NM_000481.4 (MANE Select); coding-DNA positions 1204 to 1206, 3 bases deleted (CTC; older notation c.1204_1206delCTC).
Protein change: p.Leu402del; deletes leucine 402.
Molecular consequence: inframe deletion. On other transcripts: non-coding transcript variant (1), intron variant (1).
Genome position (GRCh38, 1-based): chr3:49,417,546-49,417,548, GAG deleted on the plus strand (CTC on the coding strand, the reverse complement: AMT is on the minus strand); deleting any 3 consecutive bases within chr3:49,417,546-49,417,549 gives the same sequence; the c. name uses the placement nearest the transcript's 3' end. VCF-style (leftmost placement, unchanged base first): chr3-49417545-TGAG-T. GRCh37 (hg19) VCF-style: chr3-49454978-TGAG-T.
Other names: c.1072_1074del, p.Leu358del (NM_001164710.2); c.1036_1038del, p.Leu346del (NM_001164711.2); c.1137+67_1137+69del (NM_001164712.2); short protein forms L358del, L402del, L346del.
Identifiers: ClinVar variation 1442556 (VCV001442556.10), dbSNP rs1559527384, ClinGen allele CA914754916.

ClinVar aggregate classification (germline): Uncertain significance (1 of 4 stars; one submission).

Conditions:
Glycine encephalopathy. Also called: Non-ketotic hyperglycinemia; Nonketotic hyperglycinemia. Identifiers: Orphanet 407, MedGen C0751748, MONDO:0011612, HP:0008288.

Submission:

Labcorp Genetics (formerly Invitae), Labcorp
Classification: Uncertain significance for Glycine encephalopathy. Last evaluated: 2023-08-04. Review status: criteria provided, single submitter. Criteria: Invitae Variant Classification Sherloc (09022015). Collection method: clinical testing. Allele origin: germline.
Comment: This variant has not been reported in the literature in individuals affected with AMT-related conditions. ClinVar contains an entry for this variant (Variation ID: 1442556). Experimental studies and prediction algorithms are not available or were not evaluated, and the functional significance of this variant is currently unknown. In summary, the available evidence is currently insufficient to determine the role of this variant in disease. Therefore, it has been classified as a Variant of Uncertain Significance. This variant, c.1204_1206del, results in the deletion of 1 amino acid(s) of the AMT protein (p.Leu402del), but otherwise preserves the integrity of the reading frame. This variant is not present in population databases (gnomAD no frequency).